The following is an entry in ClinVar:

ClinVar aggregate classification (germline): Uncertain significance (1 of 4 stars; one submission).

Conditions:
Autosomal dominant nocturnal frontal lobe epilepsy 5. Also called: Epilepsy, nocturnal frontal lobe, 5; KCNT1-Related Epilepsy; CILIARY DYSKINESIA, PRIMARY, 28, WITHOUT SITUS INVERSUS; CILIARY DYSKINESIA, PRIMARY, 28, WITH SITUS INVERSUS. Identifiers: Orphanet 98784, MedGen C3554306, MONDO:0014002, OMIM 615005.
Developmental and epileptic encephalopathy, 14 (DEE14). Also called: Early infantile epileptic encephalopathy 14. Identifiers: Orphanet 293181, MedGen C3554195, MONDO:0013989, OMIM 614959.

Submission:

Labcorp Genetics (formerly Invitae), Labcorp
Classification: Uncertain significance for Autosomal dominant nocturnal frontal lobe epilepsy 5; Developmental and epileptic encephalopathy, 14. Last evaluated: 2023-08-30. Review status: criteria provided, single submitter. Criteria: Invitae Variant Classification Sherloc (09022015). Collection method: clinical testing. Allele origin: germline.
Comment: In summary, the available evidence is currently insufficient to determine the role of this variant in disease. Therefore, it has been classified as a Variant of Uncertain Significance. Experimental studies and prediction algorithms are not available or were not evaluated, and the effect of this variant on mRNA splicing is currently unknown. This variant has not been reported in the literature in individuals affected with KCNT1-related conditions. This variant is not present in population databases (gnomAD no frequency). This sequence change falls in intron 8 of the KCNT1 gene. It does not directly change the encoded amino acid sequence of the KCNT1 protein.

NM_020822.3(KCNT1):c.675+17_676-22del

Gene: KCNT1 (potassium sodium-activated channel subfamily T member 1; plus strand). Cytogenetic location: 9q34.3.
Variant type: Deletion.
Coding change: c.675+17_676-22del on transcript NM_020822.3 (MANE Select); 17 bases into the intron after coding-DNA position 675 through 22 bases into the intron before coding-DNA position 676, 30 bases deleted (TGCCAGGAGTGCGGGCCCTGGAGCCCCAGC).
Molecular consequence: intron variant.
Genome position (GRCh38, 1-based): chr9:135,757,247-135,757,276, TGCCAGGAGTGCGGGCCCTGGAGCCCCAGC deleted; deleting any 30 consecutive bases within chr9:135,757,237-135,757,276 gives the same sequence; the c. name uses the placement nearest the transcript's 3' end. VCF-style (leftmost placement, unchanged base first): chr9-135757236-TGAGCCCCAGCTGCCAGGAGTGCGGGCCCTG-T. GRCh37 (hg19) VCF-style: chr9-138649082-TGAGCCCCAGCTGCCAGGAGTGCGGGCCCTG-T.
Other names: c.531+17_532-22del (NM_001272003.2).
Identifiers: ClinVar variation 2951421 (VCV002951421.3), dbSNP rs937420987, ClinGen allele CA201459920.